The following is an entry in ClinVar:

NM_003072.5(SMARCA4):c.4753G>T (p.Gly1585Cys)

Gene: SMARCA4 (SWI/SNF related BAF chromatin remodeling complex subunit ATPase 4; plus strand). Cytogenetic location: 19p13.2.
Variant type: single nucleotide variant.
Coding change: c.4753G>T on transcript NM_003072.5 (MANE Select); coding-DNA position 4753, G replaced by T.
Protein change: p.Gly1585Cys; replaces glycine 1585 with cysteine.
Molecular consequence: missense variant. On other transcripts: non-coding transcript variant (1).
Genome position (GRCh38, 1-based): chr19:11,059,870, G>T. VCF-style: chr19-11059870-G-T. GRCh37 (hg19) VCF-style: chr19-11170546-G-T.
Other names: c.4849G>T (NM_001128849.1); c.4753G>T, p.Gly1585Cys (NM_001128844.3); c.4663G>T, p.Gly1555Cys (NM_001128845.2); c.4660G>T, p.Gly1554Cys (NM_001128846.2); c.4654G>T, p.Gly1552Cys (NM_001128847.4, NM_001374457.1); c.4651G>T, p.Gly1551Cys (NM_001128848.2); c.4849G>T, p.Gly1617Cys (NM_001128849.3, NM_001387283.1); short protein forms G1555C, G1585C, G1617C, G1551C, G1554C, G1552C.
Identifiers: ClinVar variation 1477104 (VCV001477104.11), dbSNP rs2076756606, ClinGen allele CA404079821.

ClinVar aggregate classification (germline): Uncertain significance. Review status: criteria provided, multiple submitters, no conflicts (2 of 4 stars). 3 submissions from 3 submitters: Uncertain significance (3). Last evaluated 2024-04-08.

Conditions:
Hereditary cancer-predisposing syndrome. Also called: Neoplastic Syndromes, Hereditary; Hereditary Cancer Syndrome; Tumor predisposition; Hereditary neoplastic syndrome. Identifiers: Orphanet 140162, MedGen C0027672, MeSH D009386, MONDO:0015356.
Rhabdoid tumor predisposition syndrome 2 (RTPS2). Identifiers: Orphanet 231108, Orphanet 69077, MedGen C2750074, MONDO:0013224, OMIM 613325.

Allele frequency attached by ClinVar (database versions not stated): TOPMed below 0.00001; gnomAD 0.00001.
gnomAD v4.1: 1 of 1,613,880 alleles (0.000062%); highest among the groups gnomAD compares: Non-Finnish European, 0.000085%; no homozygotes.

Submissions (3):

Labcorp Genetics (formerly Invitae), Labcorp
Classification: Uncertain significance for Rhabdoid tumor predisposition syndrome 2. Last evaluated: 2024-04-08. Review status: criteria provided, single submitter. Criteria: Invitae Variant Classification Sherloc (09022015). Collection method: clinical testing. Allele origin: germline.
Comment: This sequence change replaces glycine, which is neutral and non-polar, with cysteine, which is neutral and slightly polar, at codon 1617 of the SMARCA4 protein (p.Gly1617Cys). This variant is not present in population databases (gnomAD no frequency). This variant has not been reported in the literature in individuals affected with SMARCA4-related conditions. ClinVar contains an entry for this variant (Variation ID: 1477104). Advanced modeling of protein sequence and biophysical properties (such as structural, functional, and spatial information, amino acid conservation, physicochemical variation, residue mobility, and thermodynamic stability) has been performed at Invitae for this missense variant, however the output from this modeling did not meet the statistical confidence thresholds required to predict the impact of this variant on SMARCA4 protein function. In summary, the available evidence is currently insufficient to determine the role of this variant in disease. Therefore, it has been classified as a Variant of Uncertain Significance.

GeneDx
Classification: Uncertain significance. Last evaluated: 2024-02-05. Review status: criteria provided, single submitter. Criteria: GeneDx Variant Classification Process June 2021. Collection method: clinical testing. Allele origin: germline. Affected: yes.
Comment: Not observed at significant frequency in large population cohorts (gnomAD); In silico analysis supports that this missense variant has a deleterious effect on protein structure/function; Has not been previously published as pathogenic or benign to our knowledge

Ambry Genetics
Classification: Uncertain significance for Hereditary cancer-predisposing syndrome. Last evaluated: 2023-05-09. Review status: criteria provided, single submitter. Criteria: Ambry Variant Classification Scheme 2023. Collection method: clinical testing. Allele origin: germline.
Comment: The p.G1617C variant (also known as c.4849G>T), located in coding exon 33 of the SMARCA4 gene, results from a G to T substitution at nucleotide position 4849. The glycine at codon 1617 is replaced by cysteine, an amino acid with highly dissimilar properties. This amino acid position is well conserved in available vertebrate species. In addition, the in silico prediction for this alteration is inconclusive. Missense and in-frame variants in SMARCA4 are known to cause neurodevelopmental disorders; however, such associations with rhabdoid tumor predisposition syndrome including small cell carcinoma of the ovary-hypercalcemic type (SCCOHT) are exceedingly rare (Kosho T et al. Am J Med Genet C Semin Med Genet. 2014 Sep;166C(3):262-75; Jelinic P et al. Nat Genet. 2014 May;46(5):424-6). Since supporting evidence is limited at this time, the clinical significance of this alteration remains unclear.